The following is an entry in ClinVar:

NM_007317.3(KIF22):c.1552C>A (p.Arg518Ser)

Gene: KIF22 (kinesin family member 22; plus strand). Cytogenetic location: 16p11.2.
Variant type: single nucleotide variant.
Coding change: c.1552C>A on transcript NM_007317.3 (MANE Select); coding-DNA position 1552, C replaced by A.
Protein change: p.Arg518Ser; replaces arginine 518 with serine.
Molecular consequence: missense variant.
Genome position (GRCh38, 1-based): chr16:29,803,551, C>A. VCF-style: chr16-29803551-C-A. GRCh37 (hg19) VCF-style: chr16-29814872-C-A.
Other names: c.1348C>A, p.Arg450Ser (NM_001256269.2, NM_001256270.1); short protein forms R450S, R518S.
Identifiers: ClinVar variation 3346016 (VCV003346016.1).

ClinVar aggregate classification (germline): Uncertain significance (0 of 4 stars; one submission).

Conditions:
KIF22-related disorder. Also called: KIF22-related condition.

gnomAD v4.1: 1 of 1,613,822 alleles (0.000062%); highest among the groups gnomAD compares: Admixed American, 0.0017%; no homozygotes.

Submission:

PreventionGenetics, part of Exact Sciences
Classification: Uncertain significance for KIF22-related condition. Last evaluated: 2024-08-08. Review status: no assertion criteria provided. Collection method: clinical testing. Allele origin: germline.
Comment: The KIF22 c.1552C>A variant is predicted to result in the amino acid substitution p.Arg518Ser. To our knowledge, this variant has not been reported in the literature. This variant is reported in 0.0029% of alleles in individuals of Latino descent in gnomAD. At this time, the clinical significance of this variant is uncertain due to the absence of conclusive functional and genetic evidence.